The following is an entry in ClinVar:

ClinVar aggregate classification (germline): Likely pathogenic (1 of 4 stars; one submission).

Conditions:
FGFR3-related chondrodysplasia. Identifiers: Orphanet 93420, MedGen C5681604, MONDO:0019685.

Submission:

Genomenon, Inc
Classification: Likely pathogenic for FGFR3-related chondrodysplasia. Last evaluated: 2026-06-23. Review status: criteria provided, single submitter. Criteria: Genomenon Sequence Variant Interpretation Standards - Updated. Collection method: curation. Allele origin: germline. Affected: yes.
Comment: FGFR3 p.Ser217Cys (c.649A>T) is a missense variant that changes the amino acid at codon 217 from Serine to Cysteine. This variant has been observed in at least one proband with an FGFR3-related disorder (PMID:17624273). The variant was found to segregate with disease in at least one affected family. (PMID:17624273). It is absent or not present at a significant frequency in gnomAD. In silico models predict that this variant is possibly or probably damaging. In conclusion, we classify FGFR3 p.Ser217Cys (c.649A>T) as a likely pathogenic variant.

Literature cited by the submitters: PubMed 17624273; PubMed 41748604; PubMed 38281003; PubMed 33511985; PubMed 33368972; PubMed 27987249; PubMed 26754866; PubMed 25343101; PubMed 26126848; PubMed 26136890.

NM_000142.5(FGFR3):c.649A>T (p.Ser217Cys)

Gene: FGFR3 (fibroblast growth factor receptor 3; plus strand). Cytogenetic location: 4p16.3.
Variant type: single nucleotide variant.
Coding change: c.649A>T on transcript NM_000142.5 (MANE Select); coding-DNA position 649, A replaced by T.
Protein change: p.Ser217Cys; replaces serine 217 with cysteine.
Molecular consequence: missense variant. On other transcripts: non-coding transcript variant (1).
Genome position (GRCh38, 1-based): chr4:1,801,653, A>T. VCF-style: chr4-1801653-A-T. GRCh37 (hg19) VCF-style: chr4-1803380-A-T.
Other names: c.649A>T, p.Ser217Cys (NM_001163213.2, NM_001354809.2, NM_001354810.2 and 1 more transcripts); short protein forms S217C.
Identifiers: ClinVar variation 4857824 (VCV004857824.1).